The following is an entry in ClinVar:

NM_017617.5(NOTCH1):c.5128G>C (p.Gly1710Arg)

Gene: NOTCH1 (notch receptor 1; minus strand). Cytogenetic location: 9q34.3.
Variant type: single nucleotide variant.
Coding change: c.5128G>C on transcript NM_017617.5 (MANE Select); coding-DNA position 5128, G replaced by C.
Protein change: p.Gly1710Arg; replaces glycine 1710 with arginine.
Molecular consequence: missense variant.
Genome position (GRCh38, 1-based): chr9:136,503,221, C>G on the plus strand (G>C on the coding strand, the complement: NOTCH1 is on the minus strand). VCF-style: chr9-136503221-C-G. GRCh37 (hg19) VCF-style: chr9-139397673-C-G.
Other names: short protein forms G1710R.
Identifiers: ClinVar variation 1716377 (VCV001716377.5), dbSNP rs2133333251, ClinGen allele CA375642096.

ClinVar aggregate classification (germline): Uncertain significance (1 of 4 stars; one submission).

Conditions:
Adams-Oliver syndrome 5 (AOS5). Identifiers: Orphanet 974, MedGen C4014970, MONDO:0014459, OMIM 616028.

Allele frequency attached by ClinVar (database versions not stated): gnomAD 0.00001; 1000 Genomes Project 30x 0.00016.
gnomAD v4.1: 1 of 1,612,822 alleles (0.000062%); highest among the groups gnomAD compares: East Asian, 0.0022%; no homozygotes.

Submission:

Labcorp Genetics (formerly Invitae), Labcorp
Classification: Uncertain significance for Adams-Oliver syndrome 5. Last evaluated: 2022-09-01. Review status: criteria provided, single submitter. Criteria: Invitae Variant Classification Sherloc (09022015). Collection method: clinical testing. Allele origin: germline.
Comment: In summary, the available evidence is currently insufficient to determine the role of this variant in disease. Therefore, it has been classified as a Variant of Uncertain Significance. Advanced modeling of protein sequence and biophysical properties (such as structural, functional, and spatial information, amino acid conservation, physicochemical variation, residue mobility, and thermodynamic stability) performed at Invitae indicates that this missense variant is not expected to disrupt NOTCH1 protein function. This sequence change replaces glycine, which is neutral and non-polar, with arginine, which is basic and polar, at codon 1710 of the NOTCH1 protein (p.Gly1710Arg). This variant is not present in population databases (gnomAD no frequency). This variant has not been reported in the literature in individuals affected with NOTCH1-related conditions.